The following is an entry in ClinVar:

NM_021044.4(DHH):c.953G>C (p.Arg318Pro)

Gene: DHH (desert hedgehog signaling molecule; minus strand). Cytogenetic location: 12q13.12.
Variant type: single nucleotide variant.
Coding change: c.953G>C on transcript NM_021044.4 (MANE Select); coding-DNA position 953, G replaced by C.
Protein change: p.Arg318Pro; replaces arginine 318 with proline.
Molecular consequence: missense variant.
Genome position (GRCh38, 1-based): chr12:49,090,097, C>G on the plus strand (G>C on the coding strand, the complement: DHH is on the minus strand). VCF-style: chr12-49090097-C-G. GRCh37 (hg19) VCF-style: chr12-49483880-C-G.
Other names: short protein forms R318P.
Identifiers: ClinVar variation 880556 (VCV000880556.6), dbSNP rs1373354654, ClinGen allele CA384715267.

ClinVar aggregate classification (germline): Uncertain significance. Review status: criteria provided, multiple submitters, no conflicts (2 of 4 stars). 2 submissions from 2 submitters: Uncertain significance (2). Last evaluated 2025-03-04.

Conditions:
46,XY sex reversal 7. Also called: 46,XY GONADAL DYSGENESIS, PARTIAL OR COMPLETE, DHH-RELATED; DHH-Related 46,XY complete gonadal dysgenesis; 46,XY SEX REVERSAL, PARTIAL OR COMPLETE, DHH-RELATED; GONADAL DYSGENESIS, XY, MALE-LIMITED. Identifiers: Orphanet 242, MedGen C1856273, MONDO:0009301, OMIM 233420.

Allele frequency attached by ClinVar (database versions not stated): gnomAD exomes 0.00001.
gnomAD v4.1: 7 of 1,527,692 alleles (0.00046%); highest among the groups gnomAD compares: Non-Finnish European, 0.00062%; no homozygotes.

Submissions (2):

GeneDx
Classification: Uncertain significance. Last evaluated: 2025-03-04. Review status: criteria provided, single submitter. Criteria: GeneDx Variant Classification Process June 2021. Collection method: clinical testing. Allele origin: germline.
Comment: Not observed at significant frequency in large population cohorts (gnomAD); In silico analysis indicates that this missense variant does not alter protein structure/function; Has not been previously published as pathogenic or benign to our knowledge

Illumina Laboratory Services, Illumina
Classification: Uncertain significance for 46,XY gonadal dysgenesis, complete, dhh-related. Last evaluated: 2018-01-13. Review status: criteria provided, single submitter. Criteria: ICSL Variant Classification Criteria 13 December 2019. Collection method: clinical testing. Allele origin: germline.